The following is an entry in ClinVar:

ClinVar aggregate classification (germline): Uncertain significance (1 of 4 stars; one submission).

Conditions:
Ehlers-Danlos syndrome, classic type, 1 (EDSCL1). Also called: Ehlers-Danlos syndrome, type 1; EHLERS-DANLOS SYNDROME, GRAVIS TYPE; EHLERS-DANLOS SYNDROME, SEVERE CLASSIC TYPE; EDS I; Ehlers-Danlos Syndrome, Classic Type, COL5A1-Related. Identifiers: MedGen C0268335, MONDO:0019567, OMIM 130000.

Submission:

Labcorp Genetics (formerly Invitae), Labcorp
Classification: Uncertain significance for Ehlers-Danlos syndrome, classic type, 1. Last evaluated: 2019-09-11. Review status: criteria provided, single submitter. Criteria: Invitae Variant Classification Sherloc (09022015). Collection method: clinical testing. Allele origin: germline.
Comment: This sequence change replaces glycine with valine at codon 1023 of the COL5A2 protein (p.Gly1023Val). The glycine residue is highly conserved and there is a moderate physicochemical difference between glycine and valine. This variant is not present in population databases (ExAC no frequency). This variant has not been reported in the literature in individuals with COL5A2-related conditions. Algorithms developed to predict the effect of missense changes on protein structure and function are either unavailable or do not agree on the potential impact of this missense change (SIFT: "Deleterious"; PolyPhen-2: "Not Available"; Align-GVGD: "Class C65"). In summary, the available evidence is currently insufficient to determine the role of this variant in disease. Therefore, it has been classified as a Variant of Uncertain Significance.

NM_000393.5(COL5A2):c.3068G>T (p.Gly1023Val)

Gene: COL5A2 (collagen type V alpha 2 chain; minus strand). Cytogenetic location: 2q32.2.
Variant type: single nucleotide variant.
Coding change: c.3068G>T on transcript NM_000393.5 (MANE Select); coding-DNA position 3068, G replaced by T.
Protein change: p.Gly1023Val; replaces glycine 1023 with valine.
Molecular consequence: missense variant.
Genome position (GRCh38, 1-based): chr2:189,049,426, C>A on the plus strand (G>T on the coding strand, the complement: COL5A2 is on the minus strand). VCF-style: chr2-189049426-C-A. GRCh37 (hg19) VCF-style: chr2-189914152-C-A.
Other names: short protein forms G1023V.
Identifiers: ClinVar variation 955949 (VCV000955949.11), dbSNP rs1685736900, ClinGen allele CA349865810.